The following is an entry in ClinVar:

ClinVar aggregate classification (germline): Benign/Likely benign. Review status: criteria provided, multiple submitters, no conflicts (2 of 4 stars). 6 submissions from 6 submitters: Benign (1); Likely benign (5). Last evaluated 2026-02-03.

Conditions:
Tuberous sclerosis 2 (TSC2). Identifiers: Orphanet 805, MedGen C1860707, MONDO:0013199, OMIM 613254.
Hereditary cancer-predisposing syndrome. Also called: Neoplastic Syndromes, Hereditary; Hereditary neoplastic syndrome; Tumor predisposition; Hereditary Cancer Syndrome. Identifiers: Orphanet 140162, MedGen C0027672, MeSH D009386, MONDO:0015356.
Tuberous sclerosis syndrome (TSC). Also called: Tuberous Sclerosis Complex; Tuberous sclerosis. Identifiers: Orphanet 805, MedGen C0041341, MONDO:0001734.

Allele frequency attached by ClinVar (database versions not stated): gnomAD 0.00002; gnomAD exomes 0.00002; TOPMed 0.00003.
gnomAD v4.1: 33 of 1,586,486 alleles (0.0021%); highest among the groups gnomAD compares: East Asian, 0.011%; no homozygotes.

Submissions (6):

Labcorp Genetics (formerly Invitae), Labcorp
Classification: Likely benign for Tuberous sclerosis 2. Last evaluated: 2026-02-03. Review status: criteria provided, single submitter. Criteria: Invitae Variant Classification Sherloc (09022015). Collection method: clinical testing. Allele origin: germline.

CeGaT Center for Human Genetics Tuebingen
Classification: Likely benign. Last evaluated: 2025-08-01. Review status: criteria provided, single submitter. Criteria: CeGaT Center For Human Genetics Tuebingen Variant Classification Criteria Version 2. Collection method: clinical testing. Allele origin: germline. Affected: yes. Observed: 1 variant allele.
Comment: TSC2: BP4, BP7

Color Diagnostics, LLC DBA Color Health
Classification: Likely benign for Tuberous sclerosis syndrome. Last evaluated: 2023-05-11. Review status: criteria provided, single submitter. Criteria: ACMG Guidelines, 2015. Collection method: clinical testing. Allele origin: germline.

Sema4
Classification: Likely benign for Hereditary cancer-predisposing syndrome. Last evaluated: 2022-03-17. Review status: criteria provided, single submitter. Criteria: Sema4 Curation Guidelines. Collection method: curation. Allele origin: germline.

Genome-Nilou Lab
Classification: Benign for Tuberous sclerosis 2. Last evaluated: 2021-11-07. Review status: criteria provided, single submitter. Criteria: ACMG Guidelines, 2015. Collection method: clinical testing. Allele origin: germline. Affected: no.

Ambry Genetics
Classification: Likely benign for Hereditary cancer-predisposing syndrome. Last evaluated: 2017-02-10. Review status: criteria provided, single submitter. Criteria: Ambry Variant Classification Scheme 2023. Collection method: clinical testing. Allele origin: germline.

NM_000548.5(TSC2):c.3396G>A (p.Ser1132=)

Gene: TSC2 (TSC complex subunit 2; plus strand). Cytogenetic location: 16p13.3.
Variant type: single nucleotide variant.
Coding change: c.3396G>A on transcript NM_000548.5 (MANE Select); coding-DNA position 3396, G replaced by A.
Protein change: p.Ser1132=; no amino-acid change (serine 1132 retained).
Molecular consequence: synonymous variant.
Genome position (GRCh38, 1-based): chr16:2,079,668, G>A. VCF-style: chr16-2079668-G-A. GRCh37 (hg19) VCF-style: chr16-2129669-G-A.
Other names: c.3264G>A, p.Ser1088= (NM_001077183.3, NM_001370404.1); c.3396G>A, p.Ser1132= (NM_001114382.3); c.3156G>A, p.Ser1052= (NM_001318827.2); c.3120G>A, p.Ser1040= (NM_001318829.2); c.2664G>A, p.Ser888= (NM_001318831.2); c.3297G>A, p.Ser1099= (NM_001318832.2); c.3267G>A, p.Ser1089= (NM_001363528.2, NM_001370405.1, NM_021055.3).
Identifiers: ClinVar variation 405995 (VCV000405995.27), dbSNP rs373004429, ClinGen allele CA046496.